The following is an entry in ClinVar:

ClinVar aggregate classification (germline): Uncertain significance (1 of 4 stars; one submission).

Allele frequency attached by ClinVar (database versions not stated): gnomAD exomes below 0.00001.
gnomAD v4.1: 4 of 1,550,080 alleles (0.00026%); highest among the groups gnomAD compares: Middle Eastern, 0.017%; no homozygotes.

Submission:

Labcorp Genetics (formerly Invitae), Labcorp
Classification: Uncertain significance. Last evaluated: 2022-06-13. Review status: criteria provided, single submitter. Criteria: Invitae Variant Classification Sherloc (09022015). Collection method: clinical testing. Allele origin: germline.
Comment: This sequence change replaces proline, which is neutral and non-polar, with leucine, which is neutral and non-polar, at codon 3696 of the ZNF469 protein (p.Pro3696Leu). This variant is not present in population databases (gnomAD no frequency). This variant has not been reported in the literature in individuals affected with ZNF469-related conditions. Algorithms developed to predict the effect of missense changes on protein structure and function output the following: SIFT: "Tolerated"; PolyPhen-2: "Possibly Damaging"; Align-GVGD: "Class C0". The leucine amino acid residue is found in multiple mammalian species, which suggests that this missense change does not adversely affect protein function. In summary, the available evidence is currently insufficient to determine the role of this variant in disease. Therefore, it has been classified as a Variant of Uncertain Significance.

NM_001367624.2(ZNF469):c.11171C>T (p.Pro3724Leu)

Gene: ZNF469 (zinc finger protein 469; plus strand). Cytogenetic location: 16q24.2.
Variant type: single nucleotide variant.
Coding change: c.11171C>T on transcript NM_001367624.2 (MANE Select); coding-DNA position 11171, C replaced by T.
Protein change: p.Pro3724Leu; replaces proline 3724 with leucine.
Molecular consequence: missense variant.
Genome position (GRCh38, 1-based): chr16:88,438,641, C>T. VCF-style: chr16-88438641-C-T. GRCh37 (hg19) VCF-style: chr16-88505049-C-T.
Other names: short protein forms P3724L.
Identifiers: ClinVar variation 1923969 (VCV001923969.2), dbSNP rs1011703377, ClinGen allele CA286387698.